The following is an entry in ClinVar:

NM_001159699.2(FHL1):c.664C>T (p.Gln222Ter)

Gene: FHL1 (four and a half LIM domains 1; plus strand). Cytogenetic location: Xq26.3.
Variant type: single nucleotide variant.
Coding change: c.664C>T on transcript NM_001159699.2 (MANE Select); coding-DNA position 664, C replaced by T.
Protein change: p.Gln222Ter; replaces glutamine 222 with a stop codon.
Molecular consequence: nonsense. On other transcripts: non-coding transcript variant (1), intron variant (2).
Genome position (GRCh38, 1-based): chrX:136,208,569, C>T. VCF-style: chrX-136208569-C-T. GRCh37 (hg19) VCF-style: chrX-135290728-C-T.
Other names: c.616C>T (NM_001449.4); c.616C>T, p.Gln206Ter (NM_001159700.2, NM_001159702.3, NM_001159704.1 and 8 more transcripts); c.703C>T, p.Gln235Ter (NM_001159701.2); c.501+608C>T (NM_001159703.2); c.549+608C>T (NM_001330659.2); short protein forms Q235*, Q206*, Q222*.
Identifiers: ClinVar variation 3725728 (VCV003725728.3).

ClinVar aggregate classification (germline): Pathogenic. Review status: criteria provided, multiple submitters, no conflicts (2 of 4 stars). 2 submissions from 2 submitters: Pathogenic (2). Last evaluated 2025-08-18.

Conditions:
X-linked myopathy with postural muscle atrophy. Also called: FHL1-Related Emery-Dreifuss Muscular Dystrophy, X-Linked. Identifiers: Orphanet 178461, MedGen C2678055, MONDO:0010401, OMIM 300696.
Cardiovascular phenotype. Identifiers: MedGen CN230736.

Submissions (2):

Ambry Genetics
Classification: Pathogenic for Cardiovascular phenotype. Last evaluated: 2025-08-18. Review status: criteria provided, single submitter. Criteria: Ambry Variant Classification Scheme 2023. Collection method: clinical testing. Allele origin: germline.
Comment: The p.Q206* pathogenic mutation (also known as c.616C>T), located in coding exon 4 of the FHL1 gene, results from a C to T substitution at nucleotide position 616. This changes the amino acid from a glutamine to a stop codon within coding exon 4. This variant is considered to be rare based on population cohorts in the Genome Aggregation Database (gnomAD). This alteration is expected to result in loss of function by premature protein truncation or nonsense-mediated mRNA decay. As such, this alteration is interpreted as a disease-causing mutation for FHL1-related myopathy with hypertrophy; however, its clinical significance for reducing body myopathy is unclear.

Labcorp Genetics (formerly Invitae), Labcorp
Classification: Pathogenic for X-linked myopathy with postural muscle atrophy. Last evaluated: 2024-11-26. Review status: criteria provided, single submitter. Criteria: Invitae Variant Classification Sherloc (09022015). Collection method: clinical testing. Allele origin: germline.
Comment: This sequence change creates a premature translational stop signal (p.Gln206*) in the FHL1 gene. It is expected to result in an absent or disrupted protein product. Loss-of-function variants in FHL1 are known to be pathogenic (PMID: 18179888, 19687455, 19716112, 22523091, 24114807). This variant is not present in population databases (gnomAD no frequency). This variant has not been reported in the literature in individuals affected with FHL1-related conditions. Algorithms developed to predict the effect of sequence changes on RNA splicing suggest that this variant may disrupt the consensus splice site. For these reasons, this variant has been classified as Pathogenic.

Literature cited by the submitters: PubMed 18179888 (cited by Labcorp Genetics (formerly Invitae), Labcorp); PubMed 19687455 (cited by Labcorp Genetics (formerly Invitae), Labcorp); PubMed 19716112 (cited by Labcorp Genetics (formerly Invitae), Labcorp); PubMed 22523091 (cited by Labcorp Genetics (formerly Invitae), Labcorp); PubMed 24114807 (cited by Labcorp Genetics (formerly Invitae), Labcorp).